The following is an entry in ClinVar:

NM_032242.4(PLXNA1):c.5583G>A (p.Lys1861=)

Gene: PLXNA1 (plexin A1; plus strand). Cytogenetic location: 3q21.3.
Variant type: single nucleotide variant.
Coding change: c.5583G>A on transcript NM_032242.4 (MANE Select); coding-DNA position 5583, G replaced by A.
Protein change: p.Lys1861=; no amino-acid change (lysine 1861 retained).
Molecular consequence: synonymous variant.
Genome position (GRCh38, 1-based): chr3:127,032,824, G>A. VCF-style: chr3-127032824-G-A. GRCh37 (hg19) VCF-style: chr3-126751667-G-A.
Identifiers: ClinVar variation 732622 (VCV000732622.33), dbSNP rs149838873, ClinGen allele CA2594717.

ClinVar aggregate classification (germline): Benign/Likely benign. Review status: criteria provided, multiple submitters, no conflicts (2 of 4 stars). 3 submissions from 3 submitters: Benign (2); Likely benign (1). Last evaluated 2026-08-01.

Allele frequency attached by ClinVar (database versions not stated): 1000 Genomes Project 0.00140; 1000 Genomes Project 30x 0.00156; TOPMed 0.00339; gnomAD 0.00352 and 0.00391; gnomAD exomes 0.00439 and 0.00530; ESP Exome Variant Server 0.00454; ExAC 0.00459.
gnomAD v4.1: 8,207 of 1,613,050 alleles (0.51%); highest among the groups gnomAD compares: Non-Finnish European, 0.62%; 33 homozygotes.

Submissions (3):

CeGaT Center for Human Genetics Tuebingen
Classification: Likely benign. Last evaluated: 2026-08-01. Review status: criteria provided, single submitter. Criteria: CeGaT Center For Human Genetics Tuebingen Variant Classification Criteria Version 2. Collection method: clinical testing. Allele origin: germline. Affected: yes. Observed: 9 variant alleles.
Comment: PLXNA1: BP4, BP7, BS2

Labcorp Genetics (formerly Invitae), Labcorp
Classification: Benign. Last evaluated: 2026-01-18. Review status: criteria provided, single submitter. Criteria: Invitae Variant Classification Sherloc (09022015). Collection method: clinical testing. Allele origin: germline.

Breakthrough Genomics
Classification: Benign. Review status: criteria provided, single submitter. Criteria: ACMG Guidelines, 2015. Collection method: not provided. Allele origin: germline. Inheritance: Autosomal recessive inheritance. Affected: yes.